The following is an entry in ClinVar:

NM_001387283.1(SMARCA4):c.4183A>C (p.Lys1395Gln)

Gene: SMARCA4 (SWI/SNF related BAF chromatin remodeling complex subunit ATPase 4; plus strand). Cytogenetic location: 19p13.2.
Variant type: single nucleotide variant.
Coding change: c.4183A>C on transcript NM_001387283.1 (MANE Plus Clinical); coding-DNA position 4183, A replaced by C.
Protein change: p.Lys1395Gln; replaces lysine 1395 with glutamine.
Molecular consequence: missense variant. On other transcripts: intron variant (7).
Genome position (GRCh38, 1-based): chr19:11,039,470, A>C. VCF-style: chr19-11039470-A-C. GRCh37 (hg19) VCF-style: chr19-11150146-A-C.
Other names: c.4183A>C, p.Lys1395Gln (NM_001128849.3); c.4084A>C, p.Lys1362Gln (NM_001411150.1); c.4171-1837A>C (NM_001128844.3, NM_003072.5); c.4072-1837A>C (NM_001128847.4, NM_001374457.1, NM_001128848.2); c.4072-1828A>C (NM_001128845.2, NM_001128846.2); short protein forms K1362Q, K1395Q.
Identifiers: ClinVar variation 1738514 (VCV001738514.2), dbSNP rs2146775283, ClinGen allele CA404071099.
Genomic context (GRCh38, chr19:11,039,470, plus strand): 5'-ACGTTGTGCACTGAAACACTAAACAGACATTAAAAAATTTTGTTGTAGAAAATTACAGGA[A>C]AAGATATCCATGACACAGCCAGCAGTGTGGCACGTGGGCTACAATTCCAGCGTGGCCTTC-3'
Protein context (NP_001374212.1, residues 1385-1405): EKQWLKKITG[Lys1395Gln]DIHDTASSVA

ClinVar aggregate classification (germline): Uncertain significance (1 of 4 stars; one submission).

Conditions:
Hereditary cancer-predisposing syndrome. Also called: Hereditary Cancer Syndrome; Hereditary neoplastic syndrome; Neoplastic Syndromes, Hereditary; Tumor predisposition. Identifiers: Orphanet 140162, MedGen C0027672, MeSH D009386, MONDO:0015356.

Allele frequency attached by ClinVar (database versions not stated): gnomAD exomes below 0.00001.
gnomAD v4.1: 1 of 1,597,736 alleles (0.000063%); highest among the groups gnomAD compares: Non-Finnish European, 0.000085%; no homozygotes.

Submission:

Ambry Genetics
Classification: Uncertain significance for Hereditary cancer-predisposing syndrome. Last evaluated: 2021-01-26. Review status: criteria provided, single submitter. Criteria: Ambry Variant Classification Scheme 2023. Collection method: clinical testing. Allele origin: germline.
Comment: The p.K1395Q variant (also known as c.4183A>C), located in coding exon 29 of the SMARCA4 gene, results from an A to C substitution at nucleotide position 4183. The lysine at codon 1395 is replaced by glutamine, an amino acid with similar properties. This amino acid position is conserved on limited sequence alignment. In addition, this alteration is predicted to be tolerated by in silico analysis. Missense and in-frame variants in SMARCA4 are known to cause neurodevelopmental disorders; however, such associations with rhabdoid tumor predisposition syndrome including small cell carcinoma of the ovary-hypercalcemic type (SCCOHT) are exceedingly rare (Kosho T et al. Am J Med Genet C Semin Med Genet. 2014 Sep;166C(3):262-75; Jelinic P et al. Nat Genet. 2014 May;46(5):424-6). Based on the supporting evidence, the association of this alteration with Coffin-Siris syndrome is unknown; however, the association of this alteration with rhabdoid tumor predisposition syndrome is unlikely.